The following is an entry in ClinVar:

NM_001042492.3(NF1):c.2011G>T (p.Ala671Ser)

Gene: NF1 (neurofibromin 1; plus strand). Cytogenetic location: 17q11.2.
Variant type: single nucleotide variant.
Coding change: c.2011G>T on transcript NM_001042492.3 (MANE Select); coding-DNA position 2011, G replaced by T.
Protein change: p.Ala671Ser; replaces alanine 671 with serine.
Molecular consequence: missense variant.
Genome position (GRCh38, 1-based): chr17:31,226,444, G>T. VCF-style: chr17-31226444-G-T. GRCh37 (hg19) VCF-style: chr17-29553462-G-T.
Other names: c.2011G>T, p.Ala671Ser (NM_000267.4); short protein forms A671S.
Identifiers: ClinVar variation 1497289 (VCV001497289.6), dbSNP rs2151425535, ClinGen allele CA398982011.

ClinVar aggregate classification (germline): Uncertain significance (1 of 4 stars; one submission).

Conditions:
Neurofibromatosis, type 1 (NF1). Also called: VON RECKLINGHAUSEN DISEASE; NEUROFIBROMATOSIS, TYPE I, SOMATIC; Peripheral type neurofibromatosis; Neurofibromatosis, type I. Identifiers: Orphanet 636, MedGen C0027831, MONDO:0018975, OMIM 162200. Disease mechanism: loss of function.

Submission:

Labcorp Genetics (formerly Invitae), Labcorp
Classification: Uncertain significance for Neurofibromatosis, type 1. Last evaluated: 2023-02-20. Review status: criteria provided, single submitter. Criteria: Invitae Variant Classification Sherloc (09022015). Collection method: clinical testing. Allele origin: germline.
Comment: In summary, the available evidence is currently insufficient to determine the role of this variant in disease. Therefore, it has been classified as a Variant of Uncertain Significance. Advanced modeling of protein sequence and biophysical properties (such as structural, functional, and spatial information, amino acid conservation, physicochemical variation, residue mobility, and thermodynamic stability) performed at Invitae indicates that this missense variant is not expected to disrupt NF1 protein function. ClinVar contains an entry for this variant (Variation ID: 1497289). This variant has not been reported in the literature in individuals affected with NF1-related conditions. This variant is not present in population databases (gnomAD no frequency). This sequence change replaces alanine, which is neutral and non-polar, with serine, which is neutral and polar, at codon 671 of the NF1 protein (p.Ala671Ser).